The following is an entry in ClinVar:

ClinVar aggregate classification (germline): Conflicting classifications of pathogenicity. Review status: criteria provided, conflicting classifications (1 of 4 stars). 3 submissions from 3 submitters: Uncertain significance (1); Likely benign (1). 1 of the submissions does not count toward it. Last evaluated 2021-03-30.

Conditions:
DTNA-related disorder. Also called: DTNA-related condition.
Left ventricular noncompaction 1 (LVNC1). Also called: LEFT VENTRICULAR NONCOMPACTION 1 WITH OR WITHOUT CONGENITAL HEART DEFECTS. Identifiers: Orphanet 54260, MedGen C1858725, MONDO:0011403, OMIM 604169.

Allele frequency attached by ClinVar (database versions not stated): gnomAD exomes 0.00002 and 0.00004; gnomAD 0.00017 and 0.00019; TOPMed 0.00023.
gnomAD v4.1: 57 of 1,535,974 alleles (0.0037%); highest among the groups gnomAD compares: African/African-American, 0.062%; no homozygotes.

Submissions (3):

Center for Genomics, Ann and Robert H. Lurie Children's Hospital of Chicago
Classification: Uncertain significance for Left ventricular noncompaction 1. Last evaluated: 2021-03-30. Review status: criteria provided, single submitter. Criteria: ACMG Guidelines, 2015. Collection method: clinical testing. Allele origin: germline.
Comment: DTNA NM_001198938.1 exon29b p.Pro690Leu (c.2069C>T): This variant has not been reported in the literature and is present in 0.06% (9/14916) of African alleles in the Genome Aggregation Database. This variant is present in ClinVar (Variation ID:201763). Evolutionary conservation and computational predictive tools for this variant are unclear. In summary, data on this variant is insufficient for disease classification. Therefore, the clinical significance of this variant is uncertain.

GeneDx
Classification: Likely benign. Last evaluated: 2018-07-03. Review status: criteria provided, single submitter. Criteria: GeneDx Variant Classification Process June 2021. Collection method: clinical testing. Allele origin: germline. Affected: yes.

PreventionGenetics, part of Exact Sciences
Classification: Likely benign for DTNA-related condition. Last evaluated: 2024-02-08. Review status: no assertion criteria provided. Collection method: clinical testing. Allele origin: germline. Not counted in ClinVar's aggregate classification.
Comment: This variant is classified as likely benign based on ACMG/AMP sequence variant interpretation guidelines (Richards et al. 2015 PMID: 25741868, with internal and published modifications).

NM_001386795.1(DTNA):c.*2600C>T

Gene: DTNA (dystrobrevin alpha; plus strand). Cytogenetic location: 18q12.1.
Variant type: single nucleotide variant.
Coding change: c.*2600C>T on transcript NM_001386795.1 (MANE Select); 2600 bases downstream of the stop codon, C replaced by T.
Molecular consequence: 3 prime UTR variant. On other transcripts: missense variant (2).
Genome position (GRCh38, 1-based): chr18:34,890,334, C>T. VCF-style: chr18-34890334-C-T. GRCh37 (hg19) VCF-style: chr18-32470298-C-T.
Other names: p.P690L:CCC>CTC; c.2069C>T, p.Pro690Leu (NM_001198938.2, NM_001386753.1); c.*2600C>T (NM_001198939.2, NM_001198940.2, NM_001198942.1 and 12 more transcripts); c.*66C>T (NM_001386755.1, NM_001386756.1, NM_001386759.1 and 7 more transcripts); short protein forms P690L.
Identifiers: ClinVar variation 201763 (VCV000201763.6), dbSNP rs794729006, ClinGen allele CA335121.
Genomic context (GRCh38, chr18:34,890,334, plus strand): 5'-AACCAGCCACCTTTTCTCTCTCTTAGCTCCACGTCAGCACTGAGACCAGACTCGAGCACC[C>T]CTGTCCTGTAAGCGAGACAAAATGGCGTGTGTTATTTTGGGGTTTTGTGTTTTTTGGTGG-3'